The following is an entry in ClinVar:

ClinVar aggregate classification (germline): Uncertain significance. Review status: criteria provided, multiple submitters, no conflicts (2 of 4 stars). 3 submissions from 3 submitters: Uncertain significance (3). Last evaluated 2025-05-22.

Conditions:
Ehlers-Danlos syndrome, classic type, 1 (EDSCL1). Also called: Ehlers-Danlos Syndrome, Classic Type, COL5A1-Related; EDS I; Ehlers-Danlos syndrome, type 1; EHLERS-DANLOS SYNDROME, GRAVIS TYPE; EHLERS-DANLOS SYNDROME, SEVERE CLASSIC TYPE. Identifiers: MedGen C0268335, MONDO:0019567, OMIM 130000.
Familial thoracic aortic aneurysm and aortic dissection (TAAD). Also called: Thoracic aortic aneurysms and dissections. Identifiers: Orphanet 91387, MedGen C4707243, MONDO:0019625.

Allele frequency attached by ClinVar (database versions not stated): gnomAD 0.00001; gnomAD exomes 0.00001; TOPMed below 0.00001; ExAC 0.00002.
gnomAD v4.1: 11 of 1,613,290 alleles (0.00068%); highest among the groups gnomAD compares: East Asian, 0.0022%; no homozygotes.

Submissions (3):

Labcorp Genetics (formerly Invitae), Labcorp
Classification: Uncertain significance for Ehlers-Danlos syndrome, classic type, 1. Last evaluated: 2025-05-22. Review status: criteria provided, single submitter. Criteria: Invitae Variant Classification Sherloc (09022015). Collection method: clinical testing. Allele origin: germline.
Comment: This sequence change replaces glycine, which is neutral and non-polar, with serine, which is neutral and polar, at codon 991 of the COL5A1 protein (p.Gly991Ser). This variant is present in population databases (rs777368013, gnomAD 0.01%). This missense change has been observed in individual(s) with clinical features of COL5A1-related conditions (internal data). ClinVar contains an entry for this variant (Variation ID: 529239). Invitae Evidence Modeling of protein sequence and biophysical properties (such as structural, functional, and spatial information, amino acid conservation, physicochemical variation, residue mobility, and thermodynamic stability) indicates that this missense variant is expected to disrupt COL5A1 protein function with a positive predictive value of 95%. This variant disrupts the triple helix domain of COL5A1. Glycine residues within the Gly-Xaa-Yaa repeats of the triple helix domain are required for the structure and stability of fibrillar collagens (PMID: 7695699, 8218237, 19344236), and variants at these glycine residues in COL5A1 are more frequently observed in individuals with disease than in the general population (PMID: 22696272, 23587214). However, the clinical significance of this observation remains uncertain since only a limited number of affected individuals have been described to date. In summary, the available evidence is currently insufficient to determine the role of this variant in disease. Therefore, it has been classified as a Variant of Uncertain Significance.

Ambry Genetics
Classification: Uncertain significance for Familial thoracic aortic aneurysm and aortic dissection. Last evaluated: 2025-02-06. Review status: criteria provided, single submitter. Criteria: Ambry Variant Classification Scheme 2023. Collection method: clinical testing. Allele origin: germline.
Comment: The p.G991S variant (also known as c.2971G>A), located in coding exon 38 of the COL5A1 gene, results from a G to A substitution at nucleotide position 2971. The glycine at codon 991 is replaced by serine, an amino acid with similar properties. Internal structural analysis indicates that this alteration disrupts the characteristic G-X-Y motif of the triple helical domain in the COL5A1 protein and inserts a bulky side chain into a sterically-constrained region (Bella J et al. Science. 1994;266:75-81; Hohenester E et al. Proc. Natl. Acad. Sci.U.S.A. 2008;105:18273-7; Ambry internal data). Glycine substitutions in the triple helical domain of COL5A1 have been reported in association with classic Ehlers-Danlos syndrome (cEDS), but the number of affected individuals is limited and several other COL5A1 glycine substitutions in the triple helical domain (e.g., p.G1078A and p.G1414A) are too common for disease in population databases (Symoens S et al. Hum. Mutat., 2012 Oct;33:1485-93; Ritelli M et al. Orphanet J Rare Dis. 2013 Apr;8:58). This amino acid position is highly conserved in available vertebrate species. In addition, this alteration is predicted to be deleterious by in silico analysis. Since supporting evidence is limited at this time, the clinical significance of this alteration remains unclear.

Human Genome Sequencing Center Clinical Lab, Baylor College of Medicine
Classification: Uncertain significance for Ehlers-Danlos syndrome, classic type I. Review status: criteria provided, single submitter. Criteria: ACMG Guidelines, 2015. Collection method: clinical testing. Allele origin: germline.

Literature cited by the submitters: PubMed 7695699 (cited by Labcorp Genetics (formerly Invitae), Labcorp); PubMed 8218237 (cited by Labcorp Genetics (formerly Invitae), Labcorp); PubMed 19344236 (cited by Labcorp Genetics (formerly Invitae), Labcorp); PubMed 22696272 (cited by Labcorp Genetics (formerly Invitae), Labcorp); PubMed 23587214 (cited by Labcorp Genetics (formerly Invitae), Labcorp).

NM_000093.5(COL5A1):c.2971G>A (p.Gly991Ser)

Gene: COL5A1 (collagen type V alpha 1 chain; plus strand). Cytogenetic location: 9q34.3.
Variant type: single nucleotide variant.
Coding change: c.2971G>A on transcript NM_000093.5 (MANE Select); coding-DNA position 2971, G replaced by A.
Protein change: p.Gly991Ser; replaces glycine 991 with serine.
Molecular consequence: missense variant.
Genome position (GRCh38, 1-based): chr9:134,801,972, G>A. VCF-style: chr9-134801972-G-A. GRCh37 (hg19) VCF-style: chr9-137693818-G-A.
Other names: c.2971G>A, p.Gly991Ser (NM_001278074.1); short protein forms G991S.
Identifiers: ClinVar variation 529239 (VCV000529239.14), dbSNP rs777368013, ClinGen allele CA5319699.